The following is an entry in ClinVar:

ClinVar aggregate classification (germline): Benign/Likely benign. Review status: criteria provided, multiple submitters, no conflicts (2 of 4 stars). 3 submissions from 3 submitters: Benign (1); Likely benign (2). Last evaluated 2025-07-08.

Conditions:
Hereditary cancer-predisposing syndrome. Also called: Hereditary Cancer Syndrome; Neoplastic Syndromes, Hereditary; Tumor predisposition; Hereditary neoplastic syndrome. Identifiers: Orphanet 140162, MedGen C0027672, MeSH D009386, MONDO:0015356.
Ataxia-telangiectasia syndrome (AT). Also called: Ataxia telangiectasia (A-T); Ataxia-telangiectasia, complementation group E; LOUIS-BAR SYNDROME; Cerebello-oculocutaneous telangiectasia; Immunodeficiency with ataxia telangiectasia; Ataxia-telangiectasia, complementation group D. Identifiers: Orphanet 100, MedGen C0004135, MONDO:0008840, OMIM 208900.
Familial cancer of breast. Also called: Hereditary breast cancer; hereditary breast carcinoma; BREAST CANCER, FAMILIAL. Identifiers: Orphanet 227535, MedGen C0346153, MONDO:0016419, OMIM 114480. Disease mechanism: loss of function.

Submissions (3):

Labcorp Genetics (formerly Invitae), Labcorp
Classification: Likely benign for Ataxia-telangiectasia syndrome. Last evaluated: 2025-07-08. Review status: criteria provided, single submitter. Criteria: Invitae Variant Classification Sherloc (09022015). Collection method: clinical testing. Allele origin: germline.

Myriad Genetics, Inc.
Classification: Benign for Familial cancer of breast. Last evaluated: 2024-05-07. Review status: criteria provided, single submitter. Criteria: Myriad Autosomal Dominant, Autosomal Recessive and X-Linked Classification Criteria (2023). Collection method: clinical testing. Allele origin: unknown.
Comment: This variant is considered benign. This variant is a silent/synonymous amino acid change and it is not expected to impact splicing.

Ambry Genetics
Classification: Likely benign for Hereditary cancer-predisposing syndrome. Last evaluated: 2015-06-29. Review status: criteria provided, single submitter. Criteria: Ambry Variant Classification Scheme 2023. Collection method: clinical testing. Allele origin: germline.

NM_000051.4(ATM):c.2190T>C (p.Cys730=)

Gene: ATM (ATM serine/threonine kinase; plus strand). Cytogenetic location: 11q22.3.
Variant type: single nucleotide variant.
Coding change: c.2190T>C on transcript NM_000051.4 (MANE Select); coding-DNA position 2190, T replaced by C.
Protein change: p.Cys730=; no amino-acid change (cysteine 730 retained).
Molecular consequence: synonymous variant.
Genome position (GRCh38, 1-based): chr11:108,256,280, T>C. VCF-style: chr11-108256280-T-C. GRCh37 (hg19) VCF-style: chr11-108127007-T-C.
Other names: c.2190T>C, p.Cys730= (NM_001351834.2).
Identifiers: ClinVar variation 232724 (VCV000232724.17), dbSNP rs876659949, ClinGen allele CA10579042.